The following is an entry in ClinVar:

NM_001123385.2(BCOR):c.2516A>G (p.Lys839Arg)

Gene: BCOR (BCL6 corepressor; minus strand). Cytogenetic location: Xp11.4.
Variant type: single nucleotide variant.
Coding change: c.2516A>G on transcript NM_001123385.2 (MANE Select); coding-DNA position 2516, A replaced by G.
Protein change: p.Lys839Arg; replaces lysine 839 with arginine.
Molecular consequence: missense variant.
Genome position (GRCh38, 1-based): chrX:40,072,830, T>C on the plus strand (A>G on the coding strand, the complement: BCOR is on the minus strand). VCF-style: chrX-40072830-T-C. GRCh37 (hg19) VCF-style: chrX-39932083-T-C.
Other names: c.2516A>G, p.Lys839Arg (NM_001123383.2, NM_001123384.2, NM_017745.6); short protein forms K839R.
Identifiers: ClinVar variation 1708743 (VCV001708743.3), dbSNP rs1167871110, ClinGen allele CA412742441.

ClinVar aggregate classification (germline): Uncertain significance (1 of 4 stars; one submission).

gnomAD v4.1: 1 of 1,211,741 alleles (0.000083%); no homozygotes.

Submission:

GeneDx
Classification: Uncertain significance. Last evaluated: 2025-07-14. Review status: criteria provided, single submitter. Criteria: GeneDx Variant Classification Process June 2021. Collection method: clinical testing. Allele origin: germline. Affected: yes.
Comment: Not observed at significant frequency in large population cohorts (gnomAD); In silico analysis suggests that this missense variant does not alter protein structure/function; Has not been previously published as pathogenic or benign to our knowledge